The following is an entry in ClinVar:

NM_015335.5(MED13L):c.2987A>G (p.Asp996Gly)

Gene: MED13L (mediator complex subunit 13L; minus strand). Cytogenetic location: 12q24.21.
Variant type: single nucleotide variant.
Coding change: c.2987A>G on transcript NM_015335.5 (MANE Select); coding-DNA position 2987, A replaced by G.
Protein change: p.Asp996Gly; replaces aspartic acid 996 with glycine.
Molecular consequence: missense variant.
Genome position (GRCh38, 1-based): chr12:115,996,485, T>C on the plus strand (A>G on the coding strand, the complement: MED13L is on the minus strand). VCF-style: chr12-115996485-T-C. GRCh37 (hg19) VCF-style: chr12-116434290-T-C.
Other names: short protein forms D996G.
Identifiers: ClinVar variation 3363449 (VCV003363449.1).

ClinVar aggregate classification (germline): Uncertain significance (1 of 4 stars; one submission).

Submission:

GeneDx
Classification: Uncertain significance. Last evaluated: 2023-10-25. Review status: criteria provided, single submitter. Criteria: GeneDx Variant Classification Process June 2021. Collection method: clinical testing. Allele origin: germline. Affected: yes.
Comment: Has not been previously published as pathogenic or benign to our knowledge; Not observed at significant frequency in large population cohorts (gnomAD); In silico analysis supports that this missense variant does not alter protein structure/function